The following is an entry in ClinVar:

ClinVar aggregate classification (germline): Uncertain significance (1 of 4 stars; one submission).

gnomAD v4.1: 1 of 1,614,180 alleles (0.000062%); no homozygotes.

Submission:

GeneDx
Classification: Uncertain significance. Last evaluated: 2024-03-27. Review status: criteria provided, single submitter. Criteria: GeneDx Variant Classification Process June 2021. Collection method: clinical testing. Allele origin: germline. Affected: yes.
Comment: Not observed at significant frequency in large population cohorts (gnomAD); In silico analysis supports that this missense variant does not alter protein structure/function; Has not been previously published as pathogenic or benign to our knowledge

NM_000228.3(LAMB3):c.3266A>G (p.Lys1089Arg)

Gene: LAMB3 (laminin subunit beta 3; minus strand). Cytogenetic location: 1q32.2.
Variant type: single nucleotide variant.
Coding change: c.3266A>G on transcript NM_000228.3 (MANE Select); coding-DNA position 3266, A replaced by G.
Protein change: p.Lys1089Arg; replaces lysine 1089 with arginine.
Molecular consequence: missense variant.
Genome position (GRCh38, 1-based): chr1:209,616,587, T>C on the plus strand (A>G on the coding strand, the complement: LAMB3 is on the minus strand). VCF-style: chr1-209616587-T-C. GRCh37 (hg19) VCF-style: chr1-209789932-T-C.
Other names: c.3266A>G, p.Lys1089Arg (NM_001017402.2, NM_001127641.1); short protein forms K1089R.
Identifiers: ClinVar variation 3371375 (VCV003371375.1).